The following is an entry in ClinVar:

ClinVar aggregate classification (germline): Uncertain significance (1 of 4 stars; one submission).

Conditions:
Fanconi anemia (FA). Also called: Fanconi's anemia. Identifiers: Orphanet 84, MedGen C0015625, MeSH D005199, MONDO:0019391.

Submission:

Labcorp Genetics (formerly Invitae), Labcorp
Classification: Uncertain significance for Fanconi anemia. Last evaluated: 2022-06-20. Review status: criteria provided, single submitter. Criteria: Invitae Variant Classification Sherloc (09022015). Collection method: clinical testing. Allele origin: germline.
Comment: In summary, the available evidence is currently insufficient to determine the role of this variant in disease. Therefore, it has been classified as a Variant of Uncertain Significance. Algorithms developed to predict the effect of missense changes on protein structure and function (SIFT, PolyPhen-2, Align-GVGD) all suggest that this variant is likely to be tolerated. This variant has not been reported in the literature in individuals affected with FANCM-related conditions. This variant is not present in population databases (gnomAD no frequency). This sequence change replaces phenylalanine, which is neutral and non-polar, with tyrosine, which is neutral and polar, at codon 621 of the FANCM protein (p.Phe621Tyr).

NM_020937.4(FANCM):c.1862T>A (p.Phe621Tyr)

Gene: FANCM (FA complementation group M; plus strand). Cytogenetic location: 14q21.2.
Variant type: single nucleotide variant.
Coding change: c.1862T>A on transcript NM_020937.4 (MANE Select); coding-DNA position 1862, T replaced by A.
Protein change: p.Phe621Tyr; replaces phenylalanine 621 with tyrosine.
Molecular consequence: missense variant.
Genome position (GRCh38, 1-based): chr14:45,167,023, T>A. VCF-style: chr14-45167023-T-A. GRCh37 (hg19) VCF-style: chr14-45636226-T-A.
Other names: c.1784T>A, p.Phe595Tyr (NM_001308133.2); c.1862T>A, p.Phe621Tyr (NM_001308134.2); short protein forms F621Y, F595Y.
Identifiers: ClinVar variation 1420476 (VCV001420476.6), dbSNP rs2139214525, ClinGen allele CA389594931.
Genomic context (GRCh38, chr14:45,167,023, plus strand): 5'-GTCAGTCCAACAAAAGAAGTATATATAAAGCTATTTCAAGTAACAGGCAGGTCCTTCATT[T>A]TTACCAAAGAAGTCCACGAATGGTTCCTGATGGAATCAACCCAAAATTACACAAAATGTT-3'
Protein context (NP_065988.1, residues 611-631): AISSNRQVLH[Phe621Tyr]YQRSPRMVPD